The following is an entry in ClinVar:

ClinVar aggregate classification (germline): Uncertain significance (1 of 4 stars; one submission).

Allele frequency attached by ClinVar (database versions not stated): gnomAD 0.00002; ESP Exome Variant Server 0.00017; ExAC 0.00001; gnomAD exomes below 0.00001.
gnomAD v4.1: 3 of 1,613,518 alleles (0.00019%); highest among the groups gnomAD compares: African/African-American, 0.004%; no homozygotes.

Submission:

GeneDx
Classification: Uncertain significance. Last evaluated: 2019-04-26. Review status: criteria provided, single submitter. Criteria: GeneDx Variant Classification Process June 2021. Collection method: clinical testing. Allele origin: germline. Affected: yes.
Comment: Not observed at a significant frequency in large population cohorts (Lek et al., 2016); In silico analysis, which includes protein predictors and evolutionary conservation, supports that this variant does not alter protein structure/function; Has not been previously published as pathogenic or benign to our knowledge

NM_024596.5(MCPH1):c.217G>C (p.Val73Leu)

Gene: MCPH1 (microcephalin 1; plus strand). Cytogenetic location: 8p23.1.
Variant type: single nucleotide variant.
Coding change: c.217G>C on transcript NM_024596.5 (MANE Select); coding-DNA position 217, G replaced by C.
Protein change: p.Val73Leu; replaces valine 73 with leucine.
Molecular consequence: missense variant. On other transcripts: non-coding transcript variant (1).
Genome position (GRCh38, 1-based): chr8:6,414,867, G>C. VCF-style: chr8-6414867-G-C. GRCh37 (hg19) VCF-style: chr8-6272388-G-C.
Other names: c.217G>C, p.Val73Leu (NM_001172574.2, NM_001172575.2, NM_001322042.2 and 2 more transcripts); c.211G>C, p.Val71Leu (NM_001322043.2); c.115G>C, p.Val39Leu (NM_001322045.2); short protein forms V39L, V71L, V73L.
Identifiers: ClinVar variation 1302481 (VCV001302481.2), dbSNP rs376364603, ClinGen allele CA4610111.